The following is an entry in ClinVar:

ClinVar aggregate classification (germline): Uncertain significance (1 of 4 stars; one submission).

Conditions:
Epidermolysis bullosa simplex 5C, with pyloric atresia (EBS5C). Also called: PLEC-Related Epidermolysis Bullosa with Pyloric Atresia; Epidermolysis bullosa simplex with pyloric atresia; PLEC1-Related Epidermolysis Bullosa with Pyloric Atresia. Identifiers: Orphanet 158684, MedGen C2677349, MONDO:0012807, OMIM 612138.
Epidermolysis bullosa simplex 5B, with muscular dystrophy (EBS5B). Also called: Epidermolysis bullosa simplex with muscular dystrophy; EPIDERMOLYSIS BULLOSA SIMPLEX AND LIMB-GIRDLE MUSCULAR DYSTROPHY. Identifiers: Orphanet 257, MedGen C2931072, MONDO:0009181, OMIM 226670.
Epidermolysis bullosa simplex, Ogna type (EBS5A). Also called: Pidermolysis bullosa simplex 5A, Ogna type; EPIDERMOLYSIS BULLOSA SIMPLEX 5A, OGNA TYPE. Identifiers: Orphanet 79401, MedGen C0432317, MONDO:0007555, OMIM 131950.
Autosomal recessive limb-girdle muscular dystrophy type 2Q (LGMDR17). Also called: MUSCULAR DYSTROPHY, LIMB-GIRDLE, AUTOSOMAL RECESSIVE 17. Identifiers: Orphanet 254361, MedGen C3150989, MONDO:0013390, OMIM 613723.
Epidermolysis bullosa simplex with nail dystrophy (EBS5D). Identifiers: MedGen C4225309, MONDO:0014661, OMIM 616487.

Submission:

Labcorp Genetics (formerly Invitae), Labcorp
Classification: Uncertain significance for Autosomal recessive limb-girdle muscular dystrophy type 2Q; Epidermolysis bullosa simplex, Ogna type; Epidermolysis bullosa simplex with nail dystrophy; Epidermolysis bullosa simplex 5C, with pyloric atresia; Epidermolysis bullosa simplex 5B, with muscular dystrophy. Last evaluated: 2022-02-05. Review status: criteria provided, single submitter. Criteria: Invitae Variant Classification Sherloc (09022015). Collection method: clinical testing. Allele origin: germline.
Comment: In summary, the available evidence is currently insufficient to determine the role of this variant in disease. Therefore, it has been classified as a Variant of Uncertain Significance. Algorithms developed to predict the effect of missense changes on protein structure and function output the following: SIFT: "Tolerated"; PolyPhen-2: "Benign"; Align-GVGD: "Class C0". The threonine amino acid residue is found in multiple mammalian species, which suggests that this missense change does not adversely affect protein function. This variant has not been reported in the literature in individuals affected with PLEC-related conditions. This variant is not present in population databases (gnomAD no frequency). This sequence change replaces alanine, which is neutral and non-polar, with threonine, which is neutral and polar, at codon 2644 of the PLEC protein (p.Ala2644Thr).

NM_201384.3(PLEC):c.7849G>A (p.Ala2617Thr)

Gene: PLEC (plectin; minus strand). Cytogenetic location: 8q24.3.
Variant type: single nucleotide variant.
Coding change: c.7849G>A on transcript NM_201384.3 (MANE Select); coding-DNA position 7849, G replaced by A.
Protein change: p.Ala2617Thr; replaces alanine 2617 with threonine.
Molecular consequence: missense variant.
Genome position (GRCh38, 1-based): chr8:143,921,972, C>T on the plus strand (G>A on the coding strand, the complement: PLEC is on the minus strand). VCF-style: chr8-143921972-C-T. GRCh37 (hg19) VCF-style: chr8-144996140-C-T.
Other names: c.7930G>A, p.Ala2644Thr (NM_000445.5); c.4549G>A, p.Ala1517Thr (NM_001410941.1); c.7807G>A, p.Ala2603Thr (NM_201378.4); c.7783G>A, p.Ala2595Thr (NM_201379.3); c.8260G>A, p.Ala2754Thr (NM_201380.4); c.7753G>A, p.Ala2585Thr (NM_201381.3); c.7849G>A, p.Ala2617Thr (NM_201382.4); c.7861G>A, p.Ala2621Thr (NM_201383.3); short protein forms A2603T, A2621T, A2754T, A2595T, A2617T, A2644T, A1517T, A2585T.
Identifiers: ClinVar variation 2093625 (VCV002093625.4), dbSNP rs1554687832, ClinGen allele CA372521676.